The following is an entry in ClinVar:

ClinVar aggregate classification (germline): Uncertain significance (1 of 4 stars; one submission).

Submission:

Labcorp Genetics (formerly Invitae), Labcorp
Classification: Uncertain significance. Last evaluated: 2022-07-09. Review status: criteria provided, single submitter. Criteria: Invitae Variant Classification Sherloc (09022015). Collection method: clinical testing. Allele origin: germline.
Comment: This sequence change replaces glutamic acid, which is acidic and polar, with aspartic acid, which is acidic and polar, at codon 124 of the PDE6C protein (p.Glu124Asp). This variant has not been reported in the literature in individuals affected with PDE6C-related conditions. This variant is not present in population databases (gnomAD no frequency). In summary, the available evidence is currently insufficient to determine the role of this variant in disease. Therefore, it has been classified as a Variant of Uncertain Significance. Algorithms developed to predict the effect of missense changes on protein structure and function output the following: SIFT: "Tolerated"; PolyPhen-2: "Probably Damaging"; Align-GVGD: "Class C0". The aspartic acid amino acid residue is found in multiple mammalian species, which suggests that this missense change does not adversely affect protein function.

NM_006204.4(PDE6C):c.372G>C (p.Glu124Asp)

Gene: PDE6C (phosphodiesterase 6C; plus strand). Cytogenetic location: 10q23.33.
Variant type: single nucleotide variant.
Coding change: c.372G>C on transcript NM_006204.4 (MANE Select); coding-DNA position 372, G replaced by C.
Protein change: p.Glu124Asp; replaces glutamic acid 124 with aspartic acid.
Molecular consequence: missense variant.
Genome position (GRCh38, 1-based): chr10:93,613,097, G>C. VCF-style: chr10-93613097-G-C. GRCh37 (hg19) VCF-style: chr10-95372854-G-C.
Other names: short protein forms E124D.
Identifiers: ClinVar variation 2015608 (VCV002015608.4), dbSNP rs147367341, ClinGen allele CA377622706.